The following is an entry in ClinVar:

ClinVar aggregate classification (germline): Benign/Likely benign. Review status: criteria provided, multiple submitters, no conflicts (2 of 4 stars). 6 submissions from 6 submitters: Benign (5); Likely benign (1). Last evaluated 2026-02-04.

Conditions:
Autosomal recessive distal renal tubular acidosis. Identifiers: Orphanet 402041, MedGen C1864498, MONDO:0018440.

Allele frequency attached by ClinVar (database versions not stated): 1000 Genomes Project 0.00359; 1000 Genomes Project 30x 0.00390; ExAC 0.00413; gnomAD exomes 0.00466 and 0.00769; ESP Exome Variant Server 0.00531; TOPMed 0.00534; gnomAD 0.00593 and 0.00612.
gnomAD v4.1: 11,672 of 1,549,738 alleles (0.75%); highest among the groups gnomAD compares: Non-Finnish European, 0.91%; 46 homozygotes.

Submissions (6):

Labcorp Genetics (formerly Invitae), Labcorp
Classification: Benign. Last evaluated: 2026-02-04. Review status: criteria provided, single submitter. Criteria: Invitae Variant Classification Sherloc (09022015). Collection method: clinical testing. Allele origin: germline.

Mayo Clinic Laboratories, Mayo Clinic
Classification: Benign. Last evaluated: 2025-09-05. Review status: criteria provided, single submitter. Criteria: ACMG Guidelines, 2015. Collection method: clinical testing. Allele origin: germline. Observed: 1 variant allele.
Comment: BS1, BS2, BP4

CeGaT Center for Human Genetics Tuebingen
Classification: Likely benign. Last evaluated: 2025-07-01. Review status: criteria provided, single submitter. Criteria: CeGaT Center For Human Genetics Tuebingen Variant Classification Criteria Version 2. Collection method: clinical testing. Allele origin: germline. Affected: yes. Observed: 2 variant alleles.
Comment: ATP6V0A4: BP4, BS2

Illumina Laboratory Services, Illumina
Classification: Benign for Renal tubular acidosis, distal, 3, with or without sensorineural hearing loss. Last evaluated: 2017-04-27. Review status: criteria provided, single submitter. Criteria: ICSL Variant Classification Criteria 13 December 2019. Collection method: clinical testing. Allele origin: germline.
Comment: This variant was observed as part of a predisposition screen in an ostensibly healthy population. A literature search was performed for the gene, cDNA change, and amino acid change (where applicable). No publications were found based on this search. Allele frequency data from public databases was too high to be consistent with this variant causing disease. Therefore, this variant is classified as benign.

Breakthrough Genomics
Classification: Benign. Review status: criteria provided, single submitter. Criteria: ACMG Guidelines, 2015. Collection method: not provided. Allele origin: germline. Inheritance: Autosomal recessive inheritance. Affected: yes.

PreventionGenetics, part of Exact Sciences
Classification: Benign. Review status: criteria provided, single submitter. Criteria: ACMG Guidelines, 2015. Collection method: clinical testing. Allele origin: germline.

NM_020632.3(ATP6V0A4):c.1033C>A (p.Leu345Ile)

Gene: ATP6V0A4 (ATPase H+ transporting V0 subunit a4; minus strand). Cytogenetic location: 7q34.
Variant type: single nucleotide variant.
Coding change: c.1033C>A on transcript NM_020632.3 (MANE Select); coding-DNA position 1033, C replaced by A.
Protein change: p.Leu345Ile; replaces leucine 345 with isoleucine.
Molecular consequence: missense variant.
Genome position (GRCh38, 1-based): chr7:138,749,314, G>T on the plus strand (C>A on the coding strand, the complement: ATP6V0A4 is on the minus strand). VCF-style: chr7-138749314-G-T. GRCh37 (hg19) VCF-style: chr7-138434059-G-T.
Other names: p.Leu345Ile; c.1033C>A, p.Leu345Ile (NM_130840.3, NM_130841.3); short protein forms L345I.
Identifiers: ClinVar variation 261340 (VCV000261340.33), dbSNP rs61747674, ClinGen allele CA4504902.